The following is an entry in ClinVar:

ClinVar aggregate classification (germline): Pathogenic. Review status: criteria provided, multiple submitters, no conflicts (2 of 4 stars). 2 submissions from 2 submitters: Pathogenic (2). Last evaluated 2025-02-26.

Allele frequency attached by ClinVar (database versions not stated): gnomAD exomes below 0.00001.
gnomAD v4.1: 2 of 1,607,886 alleles (0.00012%); highest among the groups gnomAD compares: Non-Finnish European, 0.00017%; no homozygotes.

Submissions (2):

GeneDx
Classification: Pathogenic. Last evaluated: 2025-02-26. Review status: criteria provided, single submitter. Criteria: GeneDx Variant Classification Process June 2021. Collection method: clinical testing. Allele origin: germline. Affected: yes.
Comment: Canonical splice site variant predicted to result in a null allele in a gene for which loss-of-function is a known mechanism of disease; Not observed at significant frequency in large population cohorts (gnomAD); Has not been previously published as pathogenic or benign to our knowledge; This variant is associated with the following publications: (PMID: 33693650)

Labcorp Genetics (formerly Invitae), Labcorp
Classification: Pathogenic. Last evaluated: 2024-10-15. Review status: criteria provided, single submitter. Criteria: Invitae Variant Classification Sherloc (09022015). Collection method: clinical testing. Allele origin: germline.
Comment: This sequence change affects an acceptor splice site in intron 3 of the WFS1 gene. It is expected to disrupt RNA splicing. Variants that disrupt the donor or acceptor splice site typically lead to a loss of protein function (PMID: 16199547), and loss-of-function variants in WFS1 are known to be pathogenic (PMID: 12955714). This variant is not present in population databases (gnomAD no frequency). Disruption of this splice site has been observed in individual(s) with clinical features of WFS1-related conditions (internal data). In at least one individual the data is consistent with being in trans (on the opposite chromosome) from a pathogenic variant. ClinVar contains an entry for this variant (Variation ID: 1926713). Algorithms developed to predict the effect of sequence changes on RNA splicing suggest that this variant may disrupt the consensus splice site. For these reasons, this variant has been classified as Pathogenic.

Literature cited by the submitters: PubMed 16199547 (cited by Labcorp Genetics (formerly Invitae), Labcorp); PubMed 12955714 (cited by Labcorp Genetics (formerly Invitae), Labcorp).

NM_006005.3(WFS1):c.316-2A>G

Gene: WFS1 (wolframin ER transmembrane glycoprotein; plus strand). Cytogenetic location: 4p16.1.
Variant type: single nucleotide variant.
Coding change: c.316-2A>G on transcript NM_006005.3 (MANE Select); the canonical splice acceptor site of the intron before coding-DNA position 316, A replaced by G.
Molecular consequence: splice acceptor variant.
Genome position (GRCh38, 1-based): chr4:6,288,985, A>G. VCF-style: chr4-6288985-A-G. GRCh37 (hg19) VCF-style: chr4-6290712-A-G.
Other names: c.316-2A>G (NM_001145853.1).
Identifiers: ClinVar variation 1926713 (VCV001926713.6), dbSNP rs2474171093, ClinGen allele CA356171198.
Genomic context (GRCh38, chr4:6,288,985, plus strand): 5'-CAGGGAGCATGGGGTGGGAGAGGGTCGGAGAATCTGGAGGCTGACTGGTGTCTGGCTTGC[A>G]GGTGGGGAAGCACTACCTGCAGTTGGCCGGCGACACGGATGAAGAACTCAACAGCTGCAC-3'